The following is an entry in ClinVar:

NM_001286611.2(REPS1):c.282G>C (p.Lys94Asn)

Gene: REPS1 (RALBP1 associated Eps domain containing 1; minus strand). Cytogenetic location: 6q24.1.
Variant type: single nucleotide variant.
Coding change: c.282G>C on transcript NM_001286611.2 (MANE Select); coding-DNA position 282, G replaced by C.
Protein change: p.Lys94Asn; replaces lysine 94 with asparagine.
Molecular consequence: missense variant.
Genome position (GRCh38, 1-based): chr6:138,945,693, C>G on the plus strand (G>C on the coding strand, the complement: REPS1 is on the minus strand). VCF-style: chr6-138945693-C-G. GRCh37 (hg19) VCF-style: chr6-139266830-C-G.
Other names: c.282G>C, p.Lys94Asn (NM_001128617.3, NM_001286612.2, NM_031922.5); short protein forms K94N.
Identifiers: ClinVar variation 2702979 (VCV002702979.3), dbSNP rs1422143567, ClinGen allele CA365815457.

ClinVar aggregate classification (germline): Uncertain significance (1 of 4 stars; one submission).

gnomAD v4.1: 1 of 1,577,404 alleles (0.000063%); no homozygotes.

Submission:

Labcorp Genetics (formerly Invitae), Labcorp
Classification: Uncertain significance. Last evaluated: 2024-01-19. Review status: criteria provided, single submitter. Criteria: Invitae Variant Classification Sherloc (09022015). Collection method: clinical testing. Allele origin: germline.
Comment: This sequence change replaces lysine, which is basic and polar, with asparagine, which is neutral and polar, at codon 94 of the REPS1 protein (p.Lys94Asn). This variant is present in population databases (no rsID available, gnomAD 0.005%). This variant has not been reported in the literature in individuals affected with REPS1-related conditions. Advanced modeling of protein sequence and biophysical properties (such as structural, functional, and spatial information, amino acid conservation, physicochemical variation, residue mobility, and thermodynamic stability) performed at Invitae indicates that this missense variant is not expected to disrupt REPS1 protein function with a negative predictive value of 80%. In summary, the available evidence is currently insufficient to determine the role of this variant in disease. Therefore, it has been classified as a Variant of Uncertain Significance.